The following is an entry in ClinVar:

ClinVar aggregate classification (germline): Likely pathogenic (1 of 4 stars; one submission).

Conditions:
Hypertrophic cardiomyopathy 9. Also called: Familial hypertrophic cardiomyopathy 9. Identifiers: MedGen C1861065, MONDO:0013412, OMIM 613765.
Myopathy, myofibrillar, 9, with early respiratory failure (MFM9). Also called: Hereditary myopathy with early respiratory failure; EDSTROM MYOPATHY; MYOPATHY, PROXIMAL, WITH EARLY RESPIRATORY MUSCLE INVOLVEMENT; Myopathy, distal, with early respiratory failure, autosomal dominant. Identifiers: Orphanet 178464, Orphanet 34521, MedGen C1863599, MONDO:0011362, OMIM 603689.
Early-onset myopathy with fatal cardiomyopathy (CMYO5). Also called: CONGENITAL MYOPATHY 5 WITH CARDIOMYOPATHY; Salih Myopathy. Identifiers: Orphanet 289377, MedGen C2673677, MONDO:0012714, OMIM 611705. Disease mechanism: loss of function.
Autosomal recessive limb-girdle muscular dystrophy type 2J (LGMDR10). Also called: Limb-girdle muscular dystrophy, type 2J; MUSCULAR DYSTROPHY, LIMB-GIRDLE, AUTOSOMAL RECESSIVE 10. Identifiers: Orphanet 140922, MedGen C1837342, MONDO:0012127, OMIM 608807.
Dilated cardiomyopathy 1G (CMD1G). Identifiers: Orphanet 154, MedGen C1858763, MONDO:0011400, OMIM 604145.
Tibial muscular dystrophy (TMD). Also called: UDD MYOPATHY; Udd Distal Myopathy – Tibial Muscular Dystrophy; Tibial muscular dystrophy, tardive. Identifiers: Orphanet 609, MedGen C1838244, MONDO:0010870, OMIM 600334.

Submission:

Juno Genomics, Hangzhou Juno Genomics, Inc
Classification: Likely pathogenic for Early-onset myopathy with fatal cardiomyopathy; Dilated cardiomyopathy 1G; Hypertrophic cardiomyopathy 9; Autosomal recessive limb-girdle muscular dystrophy type 2J; Myopathy, myofibrillar, 9, with early respiratory failure; Tibial muscular dystrophy. Review status: criteria provided, single submitter. Criteria: ACMG Guidelines, 2015. Collection method: clinical testing. Allele origin: germline.
Comment: Null variant in a gene where loss of function (LOF) is a known mechanism of disease.;Absent from controls (or at extremely low frequency if recessive) in Genome Aggregation Database.

NM_001267550.2(TTN):c.17189del (p.Pro5730fs)

Genes: TTN (titin; minus strand), LOC126806431 (CDK7 strongly-dependent group 2 enhancer GRCh37_chr2:179595719-179596918; plus strand). Cytogenetic location: 2q31.2.
Variant type: Deletion.
Coding change: c.17189del on transcript NM_001267550.2 (MANE Select); coding-DNA position 17189, one base deleted (C; older notation c.17189delC).
Protein change: p.Pro5730fs; shifts the reading frame from proline 5730.
Molecular consequence: frameshift variant. On other transcripts: intron variant (3).
Genome position (GRCh38, 1-based): chr2:178,731,577, G deleted on the plus strand (C on the coding strand, the reverse complement: TTN is on the minus strand); the first of 5 consecutive G bases (chr2:178,731,577-178,731,581); deleting any one gives the same sequence. VCF-style (leftmost placement, unchanged base first): chr2-178731576-TG-T. GRCh37 (hg19) VCF-style: chr2-179596303-TG-T.
Other names: c.16238del, p.Pro5413fs (NM_001256850.1); c.13457del, p.Pro4486fs (NM_133378.4); c.13282+6505del (NM_003319.4); c.13858+6505del (NM_133437.4); c.13657+6505del (NM_133432.3); short protein forms P5413fs, P4486fs, P5730fs.
Identifiers: ClinVar variation 5006158 (VCV005006158.2).